The following is an entry in ClinVar:

ClinVar aggregate classification (germline): Pathogenic (1 of 4 stars; one submission).

Conditions:
Nager syndrome (AFD1). Also called: MANDIBULOFACIAL DYSOSTOSIS, TREACHER COLLINS TYPE, WITH LIMB ANOMALIES; Nager acrofacial dysostosis; Nager acrofacial dysostosis syndrome; Acrofacial Dysostosis 1, Nager Type. Identifiers: Orphanet 245, MedGen C0265245, MONDO:0007943, OMIM 154400.

Submission:

Variantyx, Inc.
Classification: Pathogenic for Nager syndrome. Last evaluated: 2025-08-05. Review status: criteria provided, single submitter. Criteria: Variantyx Assertion Criteria 2022. Collection method: clinical testing. Allele origin: germline. Inheritance: Autosomal dominant inheritance. Affected: yes.
Comment: This is a frameshift variant in the SF3B4 gene (OMIM: 605593). Pathogenic variants in this gene have been associated with autosomal dominant Nager type of acrofacial dysostosis 1. This variant introduces a premature termination codon in exon 3 out of 6. It is expected to result in loss of function, which is a known disease mechanism for SF3B4 in this disorder (PMID: 22541558, 23568615, 24003905, 22541558) (PVS1). This variant is absent from control populations (PM2). Based on the current evidence, this variant is classified as pathogenic for autosomal dominant Nager type of acrofacial dysostosis 1.

Literature cited by the submitters: PubMed 22541558; PubMed 23568615; PubMed 24003905.

NM_005850.5(SF3B4):c.326del (p.Pro109fs)

Gene: SF3B4 (splicing factor 3b subunit 4; minus strand). Cytogenetic location: 1q21.2.
Variant type: Deletion.
Coding change: c.326del on transcript NM_005850.5 (MANE Select); coding-DNA position 326, one base deleted (C; older notation c.326delC).
Protein change: p.Pro109fs; shifts the reading frame from proline 109.
Molecular consequence: frameshift variant.
Genome position (GRCh38, 1-based): chr1:149,926,756, G deleted on the plus strand (C on the coding strand, the reverse complement: SF3B4 is on the minus strand); the first of 3 consecutive G bases (chr1:149,926,756-149,926,758); deleting any one gives the same sequence. VCF-style (leftmost placement, unchanged base first): chr1-149926755-AG-A. GRCh37 (hg19) VCF-style: chr1-149898647-AG-A.
Other names: short protein forms P109fs.
Identifiers: ClinVar variation 4813812 (VCV004813812.1).
Genomic context (GRCh38, chr1:149,926,755, plus strand): 5'-GGTTTGTAAGATGACCCCAAAGGCGCTGAAAGTATCATAAAGCAACTTCTCATCAATCTC[AG>A]GGTCCAGGTTCCCAATGAAAATGTTGGCCCCTACATCCAGGTTTTTGTTGTGAGCTGATG-3'